The following is an entry in ClinVar:

NM_004738.5(VAPB):c.-1C>G

Gene: VAPB (VAMP associated protein B and C; plus strand). Cytogenetic location: 20q13.32.
Variant type: single nucleotide variant.
Coding change: c.-1C>G on transcript NM_004738.5 (MANE Select); 1 bases upstream of the start codon, C replaced by G.
Molecular consequence: 5 prime UTR variant. On other transcripts: non-coding transcript variant (1).
Genome position (GRCh38, 1-based): chr20:58,389,459, C>G. VCF-style: chr20-58389459-C-G. GRCh37 (hg19) VCF-style: chr20-56964515-C-G.
Other names: c.-1C>G (NM_001195677.2).
Identifiers: ClinVar variation 4987797 (VCV004987797.1).

ClinVar aggregate classification (germline): Likely benign (1 of 4 stars; one submission).

Conditions:
VAPB-related disorder. Also called: VAPB-related condition.

gnomAD v4.1: 10 of 1,595,364 alleles (0.00063%); highest among the groups gnomAD compares: East Asian, 0.02%; no homozygotes.

Submission:

PreventionGenetics, part of Exact Sciences
Classification: Likely benign for VAPB-related condition. Last evaluated: 2025-08-19. Review status: criteria provided, single submitter. Criteria: ACMG Guidelines, 2015. Collection method: clinical testing. Allele origin: germline.
Comment: This variant is classified as likely benign based on ACMG/AMP sequence variant interpretation guidelines (Richards et al. 2015 PMID: 25741868, with internal and published modifications).